The following is an entry in ClinVar:

ClinVar aggregate classification (germline): Uncertain significance (1 of 4 stars; one submission).

Conditions:
Oligodontia-cancer predisposition syndrome. Also called: TOOTH AGENESIS-COLORECTAL CANCER SYNDROME. Identifiers: Orphanet 300576, MedGen C1837750, MONDO:0012075, OMIM 608615. Disease mechanism: loss of function.

Submission:

Labcorp Genetics (formerly Invitae), Labcorp
Classification: Uncertain significance for Oligodontia-cancer predisposition syndrome. Last evaluated: 2022-02-11. Review status: criteria provided, single submitter. Criteria: Invitae Variant Classification Sherloc (09022015). Collection method: clinical testing. Allele origin: germline.
Comment: In summary, the available evidence is currently insufficient to determine the role of this variant in disease. Therefore, it has been classified as a Variant of Uncertain Significance. This sequence change replaces threonine, which is neutral and polar, with alanine, which is neutral and non-polar, at codon 33 of the AXIN2 protein (p.Thr33Ala). This variant is not present in population databases (gnomAD no frequency). This variant has not been reported in the literature in individuals affected with AXIN2-related conditions. Algorithms developed to predict the effect of missense changes on protein structure and function (SIFT, PolyPhen-2, Align-GVGD) all suggest that this variant is likely to be tolerated.

NM_004655.4(AXIN2):c.97A>G (p.Thr33Ala)

Gene: AXIN2 (axin 2; minus strand). Cytogenetic location: 17q24.1.
Variant type: single nucleotide variant.
Coding change: c.97A>G on transcript NM_004655.4 (MANE Select); coding-DNA position 97, A replaced by G.
Protein change: p.Thr33Ala; replaces threonine 33 with alanine.
Molecular consequence: missense variant.
Genome position (GRCh38, 1-based): chr17:65,558,524, T>C on the plus strand (A>G on the coding strand, the complement: AXIN2 is on the minus strand). VCF-style: chr17-65558524-T-C. GRCh37 (hg19) VCF-style: chr17-63554642-T-C.
Other names: c.97A>G, p.Thr33Ala (NM_001363813.1); short protein forms T33A.
Identifiers: ClinVar variation 2096696 (VCV002096696.4), dbSNP rs2144591154, ClinGen allele CA400682198.